The following is an entry in ClinVar:

ClinVar aggregate classification (germline): Uncertain significance. Review status: criteria provided, multiple submitters, no conflicts (2 of 4 stars). 2 submissions from 2 submitters: Uncertain significance (2). Last evaluated 2025-12-03.

Conditions:
Hereditary cancer-predisposing syndrome. Also called: Neoplastic Syndromes, Hereditary; Tumor predisposition; Hereditary Cancer Syndrome; Hereditary neoplastic syndrome. Identifiers: Orphanet 140162, MedGen C0027672, MeSH D009386, MONDO:0015356.
Fanconi anemia complementation group J. Also called: BRIP1-Related Fanconi Anemia. Identifiers: Orphanet 84, MedGen C1836860, MONDO:0012187, OMIM 609054.
Familial cancer of breast. Also called: BREAST CANCER, FAMILIAL; Hereditary breast cancer; hereditary breast carcinoma. Identifiers: Orphanet 227535, MedGen C0346153, MONDO:0016419, OMIM 114480. Disease mechanism: loss of function.

Submissions (2):

Labcorp Genetics (formerly Invitae), Labcorp
Classification: Uncertain significance for Familial cancer of breast; Fanconi anemia complementation group J. Last evaluated: 2025-12-03. Review status: criteria provided, single submitter. Criteria: Invitae Variant Classification Sherloc (09022015). Collection method: clinical testing. Allele origin: germline.
Comment: This sequence change replaces phenylalanine, which is neutral and non-polar, with cysteine, which is neutral and slightly polar, at codon 1245 of the BRIP1 protein (p.Phe1245Cys). This variant is not present in population databases (gnomAD no frequency). This variant has not been reported in the literature in individuals affected with BRIP1-related conditions. ClinVar contains an entry for this variant (Variation ID: 1734413). Invitae Evidence Modeling of protein sequence and biophysical properties (such as structural, functional, and spatial information, amino acid conservation, physicochemical variation, residue mobility, and thermodynamic stability) indicates that this missense variant is not expected to disrupt BRIP1 protein function with a negative predictive value of 95%. In summary, the available evidence is currently insufficient to determine the role of this variant in disease. Therefore, it has been classified as a Variant of Uncertain Significance.

Ambry Genetics
Classification: Uncertain significance for Hereditary cancer-predisposing syndrome. Last evaluated: 2020-12-21. Review status: criteria provided, single submitter. Criteria: Ambry Variant Classification Scheme 2023. Collection method: clinical testing. Allele origin: germline.
Comment: The p.F1245C variant (also known as c.3734T>G), located in coding exon 19 of the BRIP1 gene, results from a T to G substitution at nucleotide position 3734. The phenylalanine at codon 1245 is replaced by cysteine, an amino acid with highly dissimilar properties. This amino acid position is poorly conserved in available vertebrate species. In addition, this alteration is predicted to be tolerated by in silico analysis. Since supporting evidence is limited at this time, the clinical significance of this alteration remains unclear.

NM_032043.3(BRIP1):c.3734T>G (p.Phe1245Cys)

Gene: BRIP1 (BRCA1 interacting DNA helicase 1; minus strand). Cytogenetic location: 17q23.2.
Variant type: single nucleotide variant.
Coding change: c.3734T>G on transcript NM_032043.3 (MANE Select); coding-DNA position 3734, T replaced by G.
Protein change: p.Phe1245Cys; replaces phenylalanine 1245 with cysteine.
Molecular consequence: missense variant.
Genome position (GRCh38, 1-based): chr17:61,683,312, A>C on the plus strand (T>G on the coding strand, the complement: BRIP1 is on the minus strand). VCF-style: chr17-61683312-A-C. GRCh37 (hg19) VCF-style: chr17-59760673-A-C.
Other names: short protein forms F1245C.
Identifiers: ClinVar variation 1734413 (VCV001734413.7), dbSNP rs2544551469, ClinGen allele CA400477720.